The following is an entry in ClinVar:

ClinVar aggregate classification (germline): Uncertain significance (1 of 4 stars; one submission).

Conditions:
SLC27A5-related disorder. Also called: SLC27A5-related condition.

gnomAD v4.1: 1 of 1,613,966 alleles (0.000062%); highest among the groups gnomAD compares: South Asian, 0.0011%; no homozygotes.

Submission:

PreventionGenetics, part of Exact Sciences
Classification: Uncertain significance for SLC27A5-related condition. Last evaluated: 2025-05-15. Review status: criteria provided, single submitter. Criteria: ACMG Guidelines, 2015. Collection method: clinical testing. Allele origin: germline.
Comment: The SLC27A5 c.1967G>T variant is predicted to result in the amino acid substitution p.Gly656Val. To our knowledge, this variant has not been reported in the literature or in a large population database (gnomAD), indicating this variant is rare. At this time, the clinical significance of this variant is uncertain due to the absence of conclusive functional and genetic evidence.

NM_012254.3(SLC27A5):c.1967G>T (p.Gly656Val)

Gene: SLC27A5 (solute carrier family 27 member 5; minus strand). Cytogenetic location: 19q13.43.
Variant type: single nucleotide variant.
Coding change: c.1967G>T on transcript NM_012254.3 (MANE Select); coding-DNA position 1967, G replaced by T.
Protein change: p.Gly656Val; replaces glycine 656 with valine.
Molecular consequence: missense variant.
Genome position (GRCh38, 1-based): chr19:58,498,621, C>A on the plus strand (G>T on the coding strand, the complement: SLC27A5 is on the minus strand). VCF-style: chr19-58498621-C-A. GRCh37 (hg19) VCF-style: chr19-59009988-C-A.
Other names: c.1715G>T, p.Gly572Val (NM_001321196.2); short protein forms G572V, G656V.
Identifiers: ClinVar variation 4982514 (VCV004982514.1).